The following is an entry in ClinVar:

ClinVar aggregate classification (germline): Uncertain significance (1 of 4 stars; one submission).

Conditions:
Creatine transporter deficiency (CCDS1). Also called: Mental retardation , X-linked with seizures, short stature and midface hypoplasia; Mental retardation , X-linked, with creatine transport deficiency; X-linked creatine transporter deficiency; X-linked creatine deficiency syndrome; SLC6A8-Related Creatine Transporter Deficiency; CREATINE TRANSPORTER DEFECT. Identifiers: Orphanet 52503, MedGen C1845862, MONDO:0010305, OMIM 300352.

Submission:

Labcorp Genetics (formerly Invitae), Labcorp
Classification: Uncertain significance for Creatine transporter deficiency. Last evaluated: 2023-10-03. Review status: criteria provided, single submitter. Criteria: Invitae Variant Classification Sherloc (09022015). Collection method: clinical testing. Allele origin: germline.
Comment: This sequence change replaces serine, which is neutral and polar, with cysteine, which is neutral and slightly polar, at codon 375 of the SLC6A8 protein (p.Ser375Cys). This variant is not present in population databases (gnomAD no frequency). This variant has not been reported in the literature in individuals affected with SLC6A8-related conditions. ClinVar contains an entry for this variant (Variation ID: 1466103). Advanced modeling of protein sequence and biophysical properties (such as structural, functional, and spatial information, amino acid conservation, physicochemical variation, residue mobility, and thermodynamic stability) has been performed at Invitae for this missense variant, however the output from this modeling did not meet the statistical confidence thresholds required to predict the impact of this variant on SLC6A8 protein function. In summary, the available evidence is currently insufficient to determine the role of this variant in disease. Therefore, it has been classified as a Variant of Uncertain Significance.

NM_005629.4(SLC6A8):c.1124C>G (p.Ser375Cys)

Gene: SLC6A8 (solute carrier family 6 member 8; plus strand). Cytogenetic location: Xq28.
Variant type: single nucleotide variant.
Coding change: c.1124C>G on transcript NM_005629.4 (MANE Select); coding-DNA position 1124, C replaced by G.
Protein change: p.Ser375Cys; replaces serine 375 with cysteine.
Molecular consequence: missense variant.
Genome position (GRCh38, 1-based): chrX:153,693,569, C>G. VCF-style: chrX-153693569-C-G. GRCh37 (hg19) VCF-style: chrX-152959024-C-G.
Other names: c.1094C>G, p.Ser365Cys (NM_001142805.2); c.779C>G, p.Ser260Cys (NM_001142806.1); short protein forms S365C, S260C, S375C.
Identifiers: ClinVar variation 1466103 (VCV001466103.8), dbSNP rs2148363255, ClinGen allele CA415085837.